The following is an entry in ClinVar:

ClinVar aggregate classification (germline): Conflicting classifications of pathogenicity. Review status: criteria provided, conflicting classifications (1 of 4 stars). 3 submissions from 3 submitters: Uncertain significance (2); Likely benign (1). Last evaluated 2024-08-21.

Conditions:
Familial sleep-related hypermotor epilepsy. Also called: Autosomal Dominant Sleep-Related Hypermotor (Hyperkinetic) Epilepsy. Identifiers: Orphanet 98784, MedGen C3696898, MONDO:0000030.
Autosomal dominant nocturnal frontal lobe epilepsy 1. Also called: CHRNA4-Related Nocturnal Frontal Lobe Epilepsy, Autosomal Dominant; EPILEPSY, NOCTURNAL FRONTAL LOBE, TYPE 1. Identifiers: Orphanet 98784, MedGen C1838049, MONDO:0010899, OMIM 600513.
Tobacco addiction, susceptibility to. Also called: CIGARETTE HABITUATION, SUSCEPTIBILITY TO. Identifiers: MedGen C1861063, MONDO:0100460, OMIM 188890.

Allele frequency attached by ClinVar (database versions not stated): gnomAD exomes 0.00004 and 0.00002; TOPMed 0.00003; gnomAD 0.00006.
gnomAD v4.1: 70 of 1,551,480 alleles (0.0045%); highest among the groups gnomAD compares: South Asian, 0.0072%; no homozygotes.

Submissions (3):

Labcorp Genetics (formerly Invitae), Labcorp
Classification: Likely benign. Last evaluated: 2024-08-21. Review status: criteria provided, single submitter. Criteria: Invitae Variant Classification Sherloc (09022015). Collection method: clinical testing. Allele origin: germline.

Fulgent Genetics
Classification: Uncertain significance for Tobacco addiction, susceptibility to; Autosomal dominant nocturnal frontal lobe epilepsy 1. Last evaluated: 2018-10-31. Review status: criteria provided, single submitter. Criteria: ACMG Guidelines, 2015. Collection method: clinical testing. Allele origin: unknown.

GeneDx
Classification: Uncertain significance. Last evaluated: 2017-12-26. Review status: criteria provided, single submitter. Criteria: GeneDx Variant Classification (06012015). Collection method: clinical testing. Allele origin: germline. Affected: yes.
Comment: The A477V variant has not been published as a pathogenic variant, nor has it been reported as a benign variant to our knowledge. The A477V variant is not observed in large population cohorts (Lek et al., 2016). The A477V variant is a conservative amino acid substitution, which is not likely to impact secondary protein structure as these residues share similar properties. This amino acid substitution is not predicted to occur within the transmembrane region of the protein, where the vast majority of pathogenic missense variants have been identified in association with epilepsy (Steinlein et al., 2010). In-silico analyses, including protein predictors and evolutionary conservation, support that this variant does not alter protein structure/function. Based on the currently available information, it is unclear whether this variant is a pathogenic variant or a rare benign variant.

NM_000744.7(CHRNA4):c.1430C>T (p.Ala477Val)

Gene: CHRNA4 (cholinergic receptor nicotinic alpha 4 subunit; minus strand). Cytogenetic location: 20q13.33.
Variant type: single nucleotide variant.
Coding change: c.1430C>T on transcript NM_000744.7 (MANE Select); coding-DNA position 1430, C replaced by T.
Protein change: p.Ala477Val; replaces alanine 477 with valine.
Molecular consequence: missense variant. On other transcripts: non-coding transcript variant (1).
Genome position (GRCh38, 1-based): chr20:63,349,981, G>A on the plus strand (C>T on the coding strand, the complement: CHRNA4 is on the minus strand). VCF-style: chr20-63349981-G-A. GRCh37 (hg19) VCF-style: chr20-61981333-G-A.
Other names: p.A477V:GCG>GTG; c.902C>T, p.Ala301Val (NM_001256573.2); short protein forms A477V, A301V.
Identifiers: ClinVar variation 205030 (VCV000205030.13), dbSNP rs200243948, ClinGen allele CA313579.